The following is an entry in ClinVar:

NM_031263.4(HNRNPK):c.1361+7T>G

Gene: HNRNPK (heterogeneous nuclear ribonucleoprotein K; minus strand). Cytogenetic location: 9q21.32.
Variant type: single nucleotide variant.
Coding change: c.1361+7T>G on transcript NM_031263.4 (MANE Select); 7 bases into the intron after coding-DNA position 1361, T replaced by G.
Molecular consequence: intron variant.
Genome position (GRCh38, 1-based): chr9:83,970,155, A>C on the plus strand (T>G on the coding strand, the complement: HNRNPK is on the minus strand). VCF-style: chr9-83970155-A-C. GRCh37 (hg19) VCF-style: chr9-86585070-A-C.
Other names: NM_031262.4:c.1361+7T>G; c.1361+7T>G (NM_031262.4, NM_002140.5, NM_001318188.2); c.1289+7T>G (NM_001318186.2, NM_001318187.2).
Identifiers: ClinVar variation 2877295 (VCV002877295.4), dbSNP rs1048199759, ClinGen allele CA195465145.
Genomic context (GRCh38, chr9:83,970,155, plus strand): 5'-TTGAGAAGAAAAGCTTTTTAAAGGTTTTAGTATGTATAAGCTAACACAAAGCTAAACTTA[A>C]ACTGACCTGTTCTGCAGCAAATACTGTGCATTCTGTATCTGGTCCTGTGTTCCTGTAATG-3'

ClinVar aggregate classification (germline): Conflicting classifications of pathogenicity. Review status: criteria provided, conflicting classifications (1 of 4 stars). 2 submissions from 2 submitters: Uncertain significance (1); Likely benign (1). Last evaluated 2024-03-12.

Conditions:
Au-Kline syndrome. Also called: Neurodevelopmental disorder-craniofacial dysmorphism-cardiac defect-hip dysplasia syndrome due to a point mutation; Okamoto syndrome. Identifiers: Orphanet 2729, Orphanet 453499, Orphanet 453504, MedGen C4225274, MONDO:0014700, OMIM 616580.

Allele frequency attached by ClinVar (database versions not stated): gnomAD 0.00001; gnomAD exomes 0.00001; TOPMed 0.00001.
gnomAD v4.1: 10 of 1,605,926 alleles (0.00062%); highest among the groups gnomAD compares: African/African-American, 0.004%; no homozygotes.

Submissions (2):

Broad Center for Mendelian Genomics, Broad Institute of MIT and Harvard
Classification: Uncertain significance for Au-Kline syndrome. Last evaluated: 2024-03-12. Review status: criteria provided, single submitter. Criteria: ACMG Guidelines, 2015. Collection method: curation. Allele origin: germline. Inheritance: Autosomal dominant inheritance.
Comment: We believe this is a possible phenotype expansion for HNRNPK-related disorders. The c.1361+7T>G variant in HNRNPK has not been previously reported in individuals with Au-Kline syndrome but has been identified in 0.002% (1/41450) of African/African American chromosomes by the Genome Aggregation Database (gnomAD; dbSNP ID: rs1048199759). Although this variant has been seen in the general population in a heterozygous state, its frequency is not high enough to rule out a pathogenic role. Pathogenic variants may be present at a low frequency in the general population, for diseases with clinical variability, or reduced penetrance. This variant is located in the 5' splice region. Computational tools do suggest an impact to splicing. However, this information is not predictive enough to determine pathogenicity. In summary, the clinical significance of the c.1361+7T>G variant is uncertain. ACMG/AMP Criteria applied: PP3 (Richards 2015).

Labcorp Genetics (formerly Invitae), Labcorp
Classification: Likely benign. Last evaluated: 2023-12-11. Review status: criteria provided, single submitter. Criteria: Invitae Variant Classification Sherloc (09022015). Collection method: clinical testing. Allele origin: germline.

Literature cited by the submitters: PubMed 39033378 (cited by Broad Center for Mendelian Genomics, Broad Institute of MIT and Harvard).